The following is an entry in ClinVar:

NM_000702.4(ATP1A2):c.862C>T (p.His288Tyr)

Gene: ATP1A2 (ATPase Na+/K+ transporting subunit alpha 2; plus strand). Cytogenetic location: 1q23.2.
Variant type: single nucleotide variant.
Coding change: c.862C>T on transcript NM_000702.4 (MANE Select); coding-DNA position 862, C replaced by T.
Protein change: p.His288Tyr; replaces histidine 288 with tyrosine.
Molecular consequence: missense variant.
Genome position (GRCh38, 1-based): chr1:160,127,665, C>T. VCF-style: chr1-160127665-C-T. GRCh37 (hg19) VCF-style: chr1-160097455-C-T.
Other names: c.862C>T (NM_000702.3); short protein forms H288Y.
Identifiers: ClinVar variation 493054 (VCV000493054.54), dbSNP rs754699681, ClinGen allele CA1194302.
Genomic context (GRCh38, chr1:160,127,665, plus strand): 5'-ATAGCTACTCTCGCCTCAGGCCTGGAGGTTGGGCGGACACCCATAGCAATGGAGATTGAA[C>T]ACTTCATCCAGCTGATCACAGGGGTCGCTGTATTCCTGGGGGTCTCCTTCTTCGTGCTCT-3'
Protein context (NP_000693.1, residues 278-298): GRTPIAMEIE[His288Tyr]FIQLITGVAV

ClinVar aggregate classification (germline): Conflicting classifications of pathogenicity. Review status: criteria provided, conflicting classifications (1 of 4 stars). 7 submissions from 7 submitters: Uncertain significance (4); Likely benign (1). 2 of the submissions do not count toward it. Last evaluated 2025-10-07.

Conditions:
Alternating hemiplegia of childhood 1 (AHC1). Identifiers: Orphanet 2131, MedGen C3549447, MONDO:0007087, OMIM 104290.
Developmental and epileptic encephalopathy, 1 (DEE1). Also called: X-linked infantile spasms; West's syndrome; Tonic spasms with clustering, arrest of psychomotor development and hypsarrhythmia on EEG; X-Linked Infantile Spasm Syndrome; INFANTILE SPASM SYNDROME, X-LINKED 1; Epileptic encephalopathy, early infantile, 1. Identifiers: MedGen C3463992, MONDO:0010632, OMIM 308350. Disease mechanism: loss of function.
Fetal akinesia, respiratory insufficiency, microcephaly, polymicrogyria, and dysmorphic facies. Identifiers: MedGen C5562015, MONDO:0859204, OMIM 619602.
Migraine, familial hemiplegic, 2. Identifiers: Orphanet 569, MedGen C1865322, MONDO:0011232, OMIM 602481.
Inborn genetic diseases. Identifiers: MedGen C0950123, MeSH D030342.
Familial hemiplegic migraine. Identifiers: MedGen C0338484, MONDO:0000700.

Allele frequency attached by ClinVar (database versions not stated): ExAC 0.00001; gnomAD exomes 0.00003 and 0.00008; TOPMed 0.00014; gnomAD 0.00021 and 0.00022.
gnomAD v4.1: 78 of 1,614,128 alleles (0.0048%); highest among the groups gnomAD compares: Admixed American, 0.07%; no homozygotes.

Submissions (7):

Labcorp Genetics (formerly Invitae), Labcorp
Classification: Uncertain significance for Familial hemiplegic migraine. Last evaluated: 2025-10-07. Review status: criteria provided, single submitter. Criteria: Invitae Variant Classification Sherloc (09022015). Collection method: clinical testing. Allele origin: germline.
Comment: This sequence change replaces histidine, which is basic and polar, with tyrosine, which is neutral and polar, at codon 288 of the ATP1A2 protein (p.His288Tyr). This variant is present in population databases (rs754699681, gnomAD 0.04%). This variant has not been reported in the literature in individuals affected with ATP1A2-related conditions. ClinVar contains an entry for this variant (Variation ID: 493054). Invitae Evidence Modeling of protein sequence and biophysical properties (such as structural, functional, and spatial information, amino acid conservation, physicochemical variation, residue mobility, and thermodynamic stability) indicates that this missense variant is not expected to disrupt ATP1A2 protein function with a negative predictive value of 80%. In summary, the available evidence is currently insufficient to determine the role of this variant in disease. Therefore, it has been classified as a Variant of Uncertain Significance.

Genomic Medicine Center of Excellence, King Faisal Specialist Hospital and Research Centre
Classification: Uncertain significance for Migraine, familial hemiplegic, 2. Last evaluated: 2025-09-10. Review status: criteria provided, single submitter. Criteria: ACMG Guidelines, 2015. Collection method: clinical testing. Allele origin: germline.

GeneDx
Classification: Uncertain significance. Last evaluated: 2025-07-02. Review status: criteria provided, single submitter. Criteria: GeneDx Variant Classification Process June 2021. Collection method: clinical testing. Allele origin: germline. Affected: yes.
Comment: In silico analysis supports that this missense variant has a deleterious effect on protein structure/function; Has not been previously published as pathogenic or benign to our knowledge

Ambry Genetics
Classification: Likely benign for Inborn genetic diseases. Last evaluated: 2023-12-20. Review status: criteria provided, single submitter. Criteria: Ambry Variant Classification Scheme 2023. Collection method: clinical testing. Allele origin: germline.

CeGaT Center for Human Genetics Tuebingen
Classification: Uncertain significance. Last evaluated: 2018-10-01. Review status: criteria provided, single submitter. Criteria: CeGaT Center For Human Genetics Tuebingen Variant Classification Criteria Version 2. Collection method: clinical testing. Allele origin: germline. Affected: yes. Observed: 2 variant alleles.

Clinical Genetics DNA and cytogenetics Diagnostics Lab, Erasmus MC, Erasmus Medical Center
Classification: Uncertain significance. Review status: no assertion criteria provided. Collection method: clinical testing. Allele origin: germline. Affected: yes. Study: VKGL Data-share Consensus. Not counted in ClinVar's aggregate classification.

Laboratory of Diagnostic Genome Analysis, Leiden University Medical Center (LUMC)
Classification: Uncertain significance. Review status: no assertion criteria provided. Collection method: clinical testing. Allele origin: germline. Affected: yes. Study: VKGL Data-share Consensus. Not counted in ClinVar's aggregate classification.